The following is an entry in ClinVar:

NM_000701.8(ATP1A1):c.1427A>G (p.Lys476Arg)

Genes: ATP1A1 (ATPase Na+/K+ transporting subunit alpha 1; plus strand), ATP1A1-AS1 (ATP1A1 antisense RNA 1; minus strand). Cytogenetic location: 1p13.1.
Variant type: single nucleotide variant.
Coding change: c.1427A>G on transcript NM_000701.8 (MANE Select); coding-DNA position 1427, A replaced by G.
Protein change: p.Lys476Arg; replaces lysine 476 with arginine.
Molecular consequence: missense variant. On other transcripts: non-coding transcript variant (1).
Genome position (GRCh38, 1-based): chr1:116,392,948, A>G. VCF-style: chr1-116392948-A-G. GRCh37 (hg19) VCF-style: chr1-116935570-A-G.
Other names: c.1427A>G, p.Lys476Arg (NM_001160233.2); c.1334A>G, p.Lys445Arg (NM_001160234.2); short protein forms K445R, K476R.
Identifiers: ClinVar variation 2639017 (VCV002639017.24), dbSNP rs2525849982, ClinGen allele CA341770522.

ClinVar aggregate classification (germline): Uncertain significance (1 of 4 stars; one submission).

Allele frequency attached by ClinVar (database versions not stated): gnomAD exomes below 0.00001.

Submission:

CeGaT Center for Human Genetics Tuebingen
Classification: Uncertain significance. Last evaluated: 2022-11-01. Review status: criteria provided, single submitter. Criteria: CeGaT Center For Human Genetics Tuebingen Variant Classification Criteria Version 2. Collection method: clinical testing. Allele origin: germline. Affected: yes. Observed: 1 variant allele.
Comment: ATP1A1: PM2, PP2, BP4